The following is an entry in ClinVar:

ClinVar aggregate classification (germline): Uncertain significance. Review status: criteria provided, multiple submitters, no conflicts (2 of 4 stars). 2 submissions from 2 submitters: Uncertain significance (2). Last evaluated 2025-06-25.

gnomAD v4.1: 53 of 1,613,574 alleles (0.0033%); highest among the groups gnomAD compares: Admixed American, 0.08%; no homozygotes.

Submissions (2):

Greenwood Genetic Center Diagnostic Laboratories, Greenwood Genetic Center
Classification: Uncertain significance. Last evaluated: 2025-06-25. Review status: criteria provided, single submitter. Criteria: ACMG Guidelines, 2015. Collection method: clinical testing. Allele origin: germline. Affected: yes.
Comment: PM2, BP4, PP2

Ambry Genetics
Classification: Uncertain significance. Last evaluated: 2024-09-30. Review status: criteria provided, single submitter. Criteria: Ambry Variant Classification Scheme 2023. Collection method: clinical testing. Allele origin: germline.

NM_003292.3(TPR):c.5251A>G (p.Thr1751Ala)

Gene: TPR (translocated promoter region, nuclear basket protein; minus strand). Cytogenetic location: 1q31.1.
Variant type: single nucleotide variant.
Coding change: c.5251A>G on transcript NM_003292.3 (MANE Select); coding-DNA position 5251, A replaced by G.
Protein change: p.Thr1751Ala; replaces threonine 1751 with alanine.
Molecular consequence: missense variant.
Genome position (GRCh38, 1-based): chr1:186,333,326, T>C on the plus strand (A>G on the coding strand, the complement: TPR is on the minus strand). VCF-style: chr1-186333326-T-C. GRCh37 (hg19) VCF-style: chr1-186302458-T-C.
Other names: short protein forms T1751A.
Identifiers: ClinVar variation 3460528 (VCV003460528.2).